The following is an entry in ClinVar:

NM_014946.4(SPAST):c.1004+5G>C

Gene: SPAST (spastin; plus strand). Cytogenetic location: 2p22.3.
Variant type: single nucleotide variant.
Coding change: c.1004+5G>C on transcript NM_014946.4 (MANE Select); 5 bases into the intron after coding-DNA position 1004, G replaced by C.
Molecular consequence: intron variant.
Genome position (GRCh38, 1-based): chr2:32,115,840, G>C. VCF-style: chr2-32115840-G-C. GRCh37 (hg19) VCF-style: chr2-32340909-G-C.
Other names: c.908+5G>C (NM_199436.2, NM_001377959.1); c.1001+5G>C (NM_001363823.2); c.905+5G>C (NM_001363875.2).
Identifiers: ClinVar variation 2734149 (VCV002734149.3), dbSNP rs1320663265, ClinGen allele CA1242491943.
Genomic context (GRCh38, chr2:32,115,840, plus strand): 5'-TTTAGGAATGTGGACAGCAACCTTGCTAACCTTATAATGAATGAAATTGTGGACAAGTAA[G>C]TTTTGCCATCTAAATGTTTTATTTTATAGTTTTTATATTTTAATTTTACTTATAAAACAT-3'

ClinVar aggregate classification (germline): Likely pathogenic (1 of 4 stars; one submission).

Conditions:
Hereditary spastic paraplegia 4. Also called: Familial spastic paraplegia autosomal dominant 2; Spastic paraplegia 4, autosomal dominant; Spastic Paraplegia 4. Identifiers: Orphanet 100985, MedGen C1866855, MONDO:0008438, OMIM 182601.

Submission:

Labcorp Genetics (formerly Invitae), Labcorp
Classification: Likely pathogenic for Hereditary spastic paraplegia 4. Last evaluated: 2026-01-26. Review status: criteria provided, single submitter. Criteria: Invitae Variant Classification Sherloc (09022015). Collection method: clinical testing. Allele origin: germline.
Comment: This sequence change falls in intron 6 of the SPAST gene. It does not directly change the encoded amino acid sequence of the SPAST protein. It affects a nucleotide within the consensus splice site. This variant is not present in population databases (gnomAD no frequency). This variant has been observed in individuals with hereditary spastic paraplegia (PMID: 18664244; internal data). ClinVar contains an entry for this variant (Variation ID: 2734149). Variants that disrupt the consensus splice site are a relatively common cause of aberrant splicing (PMID: 17576681, 9536098). Algorithms developed to predict the effect of sequence changes on RNA splicing suggest that this variant may disrupt the consensus splice site. This variant disrupts the c.1004+5G nucleotide in the SPAST gene. Other variant(s) that disrupt this nucleotide have been determined to be pathogenic (PMID: 39334479). This suggests that this nucleotide is clinically significant, and that variants that disrupt this position are likely to be disease-causing. In summary, the currently available evidence indicates that the variant is pathogenic, but additional data are needed to prove that conclusively. Therefore, this variant has been classified as Likely Pathogenic.

Literature cited by the submitters: PubMed 18664244; PubMed 17576681; PubMed 9536098; PubMed 39334479.